The following is an entry in ClinVar:

NM_001190274.2(FBXO11):c.682C>T (p.His228Tyr)

Gene: FBXO11 (F-box protein 11; minus strand). Cytogenetic location: 2p16.3.
Variant type: single nucleotide variant.
Coding change: c.682C>T on transcript NM_001190274.2 (MANE Select); coding-DNA position 682, C replaced by T.
Protein change: p.His228Tyr; replaces histidine 228 with tyrosine.
Molecular consequence: missense variant.
Genome position (GRCh38, 1-based): chr2:47,835,907, G>A on the plus strand (C>T on the coding strand, the complement: FBXO11 is on the minus strand). VCF-style: chr2-47835907-G-A. GRCh37 (hg19) VCF-style: chr2-48063046-G-A.
Other names: c.430C>T, p.His144Tyr (NM_001374325.1, NM_025133.4); short protein forms H144Y, H228Y.
Identifiers: ClinVar variation 3392976 (VCV003392976.1).

ClinVar aggregate classification (germline): Uncertain significance (1 of 4 stars; one submission).

Submission:

GeneDx
Classification: Uncertain significance. Last evaluated: 2024-06-28. Review status: criteria provided, single submitter. Criteria: GeneDx Variant Classification Process June 2021. Collection method: clinical testing. Allele origin: germline. Affected: yes.
Comment: Not observed at significant frequency in large population cohorts (gnomAD); In silico analysis indicates that this missense variant does not alter protein structure/function; Has not been previously published as pathogenic or benign to our knowledge